The following is an entry in ClinVar:

NC_000007.14:g.(?_117548631)_(117548835_?)del

Gene: CFTR (CF transmembrane conductance regulator; plus strand). Cytogenetic location: 7q31.2.
Variant type: Deletion.
Identifiers: ClinVar variation 831803 (VCV000831803.6).

ClinVar aggregate classification (germline): Likely pathogenic (1 of 4 stars; one submission).

Conditions:
Cystic fibrosis (CF). Also called: MUCOVISCIDOSIS. Identifiers: Orphanet 586, MedGen C0010674, MONDO:0009061, OMIM 219700. Disease mechanism: loss of function.

Submission:

Labcorp Genetics (formerly Invitae), Labcorp
Classification: Likely pathogenic for Cystic fibrosis. Last evaluated: 2021-08-31. Review status: criteria provided, single submitter. Criteria: Invitae Variant Classification Sherloc (09022015). Collection method: clinical testing. Allele origin: germline.
Comment: This variant is a gross deletion of the genomic region encompassing exon(s) 10 of the CFTR gene. This variant would be expected to be in-frame, preserving the integrity of the reading frame. This variant has not been reported in the literature in individuals affected with CFTR-related conditions. This variant disrupts the p.Pro439 amino acid residue in CFTR. Other variant(s) that disrupt this residue have been determined to be pathogenic (PMID: 2236053, 7542778, 15371902, 15858154, 17413420, 18769034, 23974870; Invitae). This suggests that this residue is clinically significant, and that variants that disrupt this residue are likely to be disease-causing. In summary, the currently available evidence indicates that the variant is pathogenic, but additional data are needed to prove that conclusively. Therefore, this variant has been classified as Likely Pathogenic.

Literature cited by the submitters: PubMed 2236053; PubMed 7542778; PubMed 15371902; PubMed 15858154; PubMed 17413420; PubMed 18769034; PubMed 23974870.